The following is an entry in ClinVar:

NM_032043.3(BRIP1):c.978G>A (p.Gln326=)

Gene: BRIP1 (BRCA1 interacting DNA helicase 1; minus strand). Cytogenetic location: 17q23.2.
Variant type: single nucleotide variant.
Coding change: c.978G>A on transcript NM_032043.3 (MANE Select); coding-DNA position 978, G replaced by A.
Protein change: p.Gln326=; no amino-acid change (glutamine 326 retained).
Molecular consequence: synonymous variant.
Genome position (GRCh38, 1-based): chr17:61,801,415, C>T on the plus strand (G>A on the coding strand, the complement: BRIP1 is on the minus strand). VCF-style: chr17-61801415-C-T. GRCh37 (hg19) VCF-style: chr17-59878776-C-T.
Identifiers: ClinVar variation 530371 (VCV000530371.13), dbSNP rs1555607764, ClinGen allele CA501151970.

ClinVar aggregate classification (germline): Benign/Likely benign. Review status: criteria provided, multiple submitters, no conflicts (2 of 4 stars). 3 submissions from 3 submitters: Benign (1); Likely benign (2). Last evaluated 2024-08-22.

Conditions:
Hereditary cancer-predisposing syndrome. Also called: Neoplastic Syndromes, Hereditary; Hereditary neoplastic syndrome; Tumor predisposition; Hereditary Cancer Syndrome. Identifiers: Orphanet 140162, MedGen C0027672, MeSH D009386, MONDO:0015356.
Familial cancer of breast. Also called: BREAST CANCER, FAMILIAL; hereditary breast carcinoma; Hereditary breast cancer. Identifiers: Orphanet 227535, MedGen C0346153, MONDO:0016419, OMIM 114480. Disease mechanism: loss of function.
Fanconi anemia complementation group J. Also called: BRIP1-Related Fanconi Anemia. Identifiers: Orphanet 84, MedGen C1836860, MONDO:0012187, OMIM 609054.

Submissions (3):

Myriad Genetics, Inc.
Classification: Benign for Familial cancer of breast. Last evaluated: 2024-08-22. Review status: criteria provided, single submitter. Criteria: Myriad Autosomal Dominant, Autosomal Recessive and X-Linked Classification Criteria (2023). Collection method: clinical testing. Allele origin: unknown.
Comment: This variant is considered benign. This variant is a silent/synonymous amino acid change and it is not expected to impact splicing.

Ambry Genetics
Classification: Likely benign for Hereditary cancer-predisposing syndrome. Last evaluated: 2022-06-20. Review status: criteria provided, single submitter. Criteria: Ambry Variant Classification Scheme 2023. Collection method: clinical testing. Allele origin: germline.

Labcorp Genetics (formerly Invitae), Labcorp
Classification: Likely benign for Familial cancer of breast; Fanconi anemia complementation group J. Last evaluated: 2021-10-31. Review status: criteria provided, single submitter. Criteria: Invitae Variant Classification Sherloc (09022015). Collection method: clinical testing. Allele origin: germline.